The following is an entry in ClinVar:

ClinVar aggregate classification (germline): Pathogenic (1 of 4 stars; one submission).

Conditions:
Primary ciliary dyskinesia. Also called: Ciliary dyskinesia. Identifiers: Orphanet 244, MedGen C0008780, MONDO:0016575, HP:0012265.

Submission:

Labcorp Genetics (formerly Invitae), Labcorp
Classification: Pathogenic for Primary ciliary dyskinesia. Last evaluated: 2020-06-27. Review status: criteria provided, single submitter. Criteria: Invitae Variant Classification Sherloc (09022015). Collection method: clinical testing. Allele origin: germline.
Comment: For these reasons, this variant has been classified as Pathogenic. Loss-of-function variants in CCDC114 are known to be pathogenic (PMID: 23261302, 23261303). This variant has not been reported in the literature in individuals with CCDC114-related conditions. This variant is not present in population databases (ExAC no frequency). This sequence change creates a premature translational stop signal (p.Tyr8Thrfs*53) in the CCDC114 gene. It is expected to result in an absent or disrupted protein product.

Literature cited by the submitters: PubMed 23261302; PubMed 23261303.

NM_001364171.2(ODAD1):c.133del (p.Tyr45fs)

Gene: ODAD1 (outer dynein arm docking complex subunit 1; minus strand). Cytogenetic location: 19q13.33.
Variant type: Deletion.
Coding change: c.133del on transcript NM_001364171.2 (MANE Select); coding-DNA position 133, one base deleted (T; older notation c.133delT).
Protein change: p.Tyr45fs; shifts the reading frame from tyrosine 45.
Molecular consequence: frameshift variant.
Genome position (GRCh38, 1-based): chr19:48,318,750, A deleted on the plus strand (T on the coding strand, the reverse complement: ODAD1 is on the minus strand). VCF-style (leftmost placement, unchanged base first): chr19-48318749-TA-T. GRCh37 (hg19) VCF-style: chr19-48822006-TA-T.
Other names: c.22del, p.Tyr8fs (NM_144577.4); short protein forms Y45fs, Y8fs.
Identifiers: ClinVar variation 1073813 (VCV001073813.7), dbSNP rs2147337039, ClinGen allele CA2499225535.
Genomic context (GRCh38, chr19:48,318,749, plus strand): 5'-TCAGGGCCCAGGCGCCCAGCTCACAGTTGCTTGTTGATGCGCTGGTGGACTTCCTTGCTG[TA>T]GGCCCGCCTCTCCCCTTCCATCACTTTGCATTGTCGCTGCAGCCTACTCAGCTCCCAATC-3'